The following is an entry in ClinVar:

ClinVar aggregate classification (germline): Likely benign (1 of 4 stars; one submission).

Conditions:
Familial isolated arrhythmogenic right ventricular dysplasia. Identifiers: Orphanet 217656, MedGen C4274968, MONDO:0016342.

Submission:

All of Us Research Program, National Institutes of Health
Classification: Likely benign for Familial isolated arrhythmogenic right ventricular dysplasia. Last evaluated: 2024-03-14. Review status: criteria provided, single submitter. Criteria: ACMG Guidelines, 2015. Collection method: clinical testing. Allele origin: germline. Inheritance: Autosomal dominant inheritance. Observed: 1 variant allele, 1 heterozygote.
Comment: This study involves interpretation of variants in research participants for the purpose of population health screening. Participant phenotype was not available at the time of variant classification. Additional details can be found in publication PMID: 35346344, PMCID: PMC8962531

NM_024422.6(DSC2):c.1078-4T>A

Gene: DSC2 (desmocollin 2; minus strand). Cytogenetic location: 18q12.1.
Variant type: single nucleotide variant.
Coding change: c.1078-4T>A on transcript NM_024422.6 (MANE Select); 4 bases into the intron before coding-DNA position 1078, T replaced by A.
Molecular consequence: intron variant.
Genome position (GRCh38, 1-based): chr18:31,082,427, A>T on the plus strand (T>A on the coding strand, the complement: DSC2 is on the minus strand). VCF-style: chr18-31082427-A-T. GRCh37 (hg19) VCF-style: chr18-28662393-A-T.
Other names: c.1078-4T>A (NM_004949.5); c.649-4T>A (NM_001406506.1, NM_001406507.1).
Identifiers: ClinVar variation 3386536 (VCV003386536.1).